The following is an entry in ClinVar:

ClinVar aggregate classification (germline): Likely benign. Review status: criteria provided, multiple submitters, no conflicts (2 of 4 stars). 3 submissions from 3 submitters: Likely benign (2). 1 of the submissions does not count toward it. Last evaluated 2026-07-08.

Conditions:
Metachromatic leukodystrophy (MLD). Also called: METACHROMATIC LEUKOENCEPHALOPATHY; Cerebral sclerosis diffuse metachromatic form; ARSA DEFICIENCY; Arylsulfatase A Deficiency; CEREBROSIDE SULFATASE DEFICIENCY; SULFATIDE LIPIDOSIS. Identifiers: Orphanet 512, MedGen C0023522, MONDO:0018868, OMIM 250100.
ARSA-related disorder. Also called: ARSA-related condition.

Allele frequency attached by ClinVar (database versions not stated): gnomAD exomes 0.00007 and 0.00018; ExAC 0.00021; 1000 Genomes Project 0.00040; 1000 Genomes Project 30x 0.00062; gnomAD 0.00063 and 0.00066; TOPMed 0.00078; ESP Exome Variant Server 0.00100.
gnomAD v4.1: 203 of 1,595,790 alleles (0.013%); highest among the groups gnomAD compares: African/African-American, 0.21%; 3 homozygotes.

Submissions (3):

PreventionGenetics, part of Exact Sciences
Classification: Likely benign for ARSA-related condition. Last evaluated: 2026-07-08. Review status: criteria provided, single submitter. Criteria: ACMG Guidelines, 2015. Collection method: clinical testing. Allele origin: germline.
Comment: This variant is classified as likely benign based on ACMG/AMP sequence variant interpretation guidelines (Richards et al. 2015 PMID: 25741868, with internal and published modifications).

Labcorp Genetics (formerly Invitae), Labcorp
Classification: Likely benign for Metachromatic leukodystrophy. Last evaluated: 2026-01-19. Review status: criteria provided, single submitter. Criteria: Invitae Variant Classification Sherloc (09022015). Collection method: clinical testing. Allele origin: germline.

Natera, Inc.
Classification: Likely benign for Metachromatic leukodystrophy. Last evaluated: 2020-09-16. Review status: no assertion criteria provided. Collection method: clinical testing. Allele origin: germline. Not counted in ClinVar's aggregate classification.

NM_000487.6(ARSA):c.1251C>T (p.His417=)

Gene: ARSA (arylsulfatase A; minus strand). Cytogenetic location: 22q13.33.
Variant type: single nucleotide variant.
Coding change: c.1251C>T on transcript NM_000487.6 (MANE Select); coding-DNA position 1251, C replaced by T.
Protein change: p.His417=; no amino-acid change (histidine 417 retained).
Molecular consequence: synonymous variant.
Genome position (GRCh38, 1-based): chr22:50,625,424, G>A on the plus strand (C>T on the coding strand, the complement: ARSA is on the minus strand). VCF-style: chr22-50625424-G-A. GRCh37 (hg19) VCF-style: chr22-51063852-G-A.
Other names: c.1251C>T, p.His417= (NM_001085425.3, NM_001085426.3, NM_001085427.3); c.993C>T, p.His331= (NM_001085428.3, NM_001362782.2).
Identifiers: ClinVar variation 703487 (VCV000703487.14), dbSNP rs140158705, ClinGen allele CA10324761.